The following is an entry in ClinVar:

NM_016653.3(MAP3K20):c.1103T>G (p.Phe368Cys)

Genes: MAP3K20 (mitogen-activated protein kinase kinase kinase 20; plus strand), MAP3K20-AS1 (MAP3K20 antisense RNA 1; minus strand). Cytogenetic location: 2q31.1.
Variant type: single nucleotide variant.
Coding change: c.1103T>G on transcript NM_016653.3 (MANE Select); coding-DNA position 1103, T replaced by G.
Protein change: p.Phe368Cys; replaces phenylalanine 368 with cysteine.
Molecular consequence: missense variant.
Genome position (GRCh38, 1-based): chr2:173,232,359, T>G. VCF-style: chr2-173232359-T-G. GRCh37 (hg19) VCF-style: chr2-174097087-T-G.
Other names: short protein forms F368C.
Identifiers: ClinVar variation 218144 (VCV000218144.4), dbSNP rs863225437, ClinGen allele CA279890.

ClinVar aggregate classification (germline): Pathogenic. Review status: no assertion criteria provided (0 of 4 stars). 2 submissions from 2 submitters: Pathogenic (2). Last evaluated 2022-07-28.

Conditions:
Split-foot malformation-mesoaxial polydactyly syndrome. Also called: Split-foot malformation with mesoaxial polydactyly. Identifiers: Orphanet 488232, MedGen C5567487, MONDO:0014816, OMIM 616890.
Split hand-foot malformation 1. Also called: SPLIT-HAND/FOOT MALFORMATION 1 WITH OR WITHOUT DEAFNESS; Split hand foot deformity 1; Split hand malformation1; Split hand deformity 1; Split-hand/foot malformation 1; SPLIT-HAND DEFORMITY. Identifiers: Orphanet 2440, MedGen C2931019, MONDO:0008464, OMIM 183600.

Submissions (2):

OMIM
Classification: Pathogenic for SPLIT-FOOT MALFORMATION WITH MESOAXIAL POLYDACTYLY. Last evaluated: 2022-07-28. Review status: no assertion criteria provided. Collection method: literature only. Allele origin: germline.

Max Planck Institute for Molecular Genetics
Classification: Pathogenic for Split hand-foot malformation 1. Last evaluated: 2015-11-18. Review status: no assertion criteria provided. Collection method: clinical testing. Allele origin: germline. Inheritance: Autosomal recessive inheritance. Affected: yes.
Comment: Pathogenic. Mouse models confirms pathogenicity of variant.

Literature cited by the submitters: PubMed 26755636 (cited by OMIM).